The following is an entry in ClinVar:

NM_000059.4(BRCA2):c.2881C>G (p.Gln961Glu)

Gene: BRCA2 (BRCA2 DNA repair associated; plus strand). Cytogenetic location: 13q13.1.
Variant type: single nucleotide variant.
Coding change: c.2881C>G on transcript NM_000059.4 (MANE Select); coding-DNA position 2881, C replaced by G.
Protein change: p.Gln961Glu; replaces glutamine 961 with glutamic acid.
Molecular consequence: missense variant.
Genome position (GRCh38, 1-based): chr13:32,337,236, C>G. VCF-style: chr13-32337236-C-G. GRCh37 (hg19) VCF-style: chr13-32911373-C-G.
Other names: short protein forms Q961E.
Identifiers: ClinVar variation 185394 (VCV000185394.22), dbSNP rs80358538, ClinGen allele CA016663.

ClinVar aggregate classification (germline): Conflicting classifications of pathogenicity. Review status: criteria provided, conflicting classifications (1 of 4 stars). 7 submissions from 7 submitters: Uncertain significance (6); Likely benign (1). Last evaluated 2025-03-30.

Conditions:
Hereditary cancer-predisposing syndrome. Also called: Hereditary neoplastic syndrome; Neoplastic Syndromes, Hereditary; Tumor predisposition; Hereditary Cancer Syndrome. Identifiers: Orphanet 140162, MedGen C0027672, MeSH D009386, MONDO:0015356.
Hereditary breast ovarian cancer syndrome. Also called: Hereditary breast and ovarian cancer syndrome (HBOC); Breast and ovarian cancer; Hereditary breast and/or ovarian cancer syndrome; BRCA1- and BRCA2-Associated Hereditary Breast and Ovarian Cancer; Hereditary breast and ovarian cancer syndrome; Hereditary breast and ovarian cancer. Identifiers: Orphanet 145, MedGen C0677776, MeSH D061325, MONDO:0003582. Disease mechanism: loss of function.

Allele frequency attached by ClinVar (database versions not stated): gnomAD exomes below 0.00001; ExAC 0.00001; gnomAD 0.00001.
gnomAD v4.1: 2 of 1,611,848 alleles (0.00012%); highest among the groups gnomAD compares: Admixed American, 0.0017%; no homozygotes.

Submissions (7):

Labcorp Genetics (formerly Invitae), Labcorp
Classification: Uncertain significance for Hereditary breast ovarian cancer syndrome. Last evaluated: 2025-03-30. Review status: criteria provided, single submitter. Criteria: Invitae Variant Classification Sherloc (09022015). Collection method: clinical testing. Allele origin: germline.
Comment: This sequence change replaces glutamine, which is neutral and polar, with glutamic acid, which is acidic and polar, at codon 961 of the BRCA2 protein (p.Gln961Glu). This variant is present in population databases (rs80358538, gnomAD 0.004%). This variant has not been reported in the literature in individuals affected with BRCA2-related conditions. ClinVar contains an entry for this variant (Variation ID: 185394). Invitae Evidence Modeling of protein sequence and biophysical properties (such as structural, functional, and spatial information, amino acid conservation, physicochemical variation, residue mobility, and thermodynamic stability) indicates that this missense variant is not expected to disrupt BRCA2 protein function with a negative predictive value of 95%. In summary, the available evidence is currently insufficient to determine the role of this variant in disease. Therefore, it has been classified as a Variant of Uncertain Significance.

Quest Diagnostics Nichols Institute San Juan Capistrano
Classification: Uncertain significance. Last evaluated: 2024-12-24. Review status: criteria provided, single submitter. Criteria: Quest Diagnostics criteria. Collection method: clinical testing. Allele origin: unknown.
Comment: The BRCA2 c.2881C>G (p.Gln961Glu) variant has been reported in the published literature in an individual with a personal and/or family history of cancer (PMID: 31853058 (2020)), and is described to be located in a region of the BRCA2 gene that is tolerant to missense sequence changes (PMID: 31911673 (2020)). The frequency of this variant in the general population (Genome Aggregation Database) is uninformative in the assessment of its pathogenicity. Analysis of this variant using bioinformatics tools for the prediction of the effect of amino acid changes on protein structure and function yielded predictions that this variant is benign. Based on the available information, we are unable to determine the clinical significance of this variant.

Ambry Genetics
Classification: Uncertain significance for Hereditary cancer-predisposing syndrome. Last evaluated: 2024-11-03. Review status: criteria provided, single submitter. Criteria: Ambry Variant Classification Scheme 2023. Collection method: clinical testing. Allele origin: germline.
Comment: The p.Q961E variant (also known as c.2881C>G), located in coding exon 10 of the BRCA2 gene, results from a C to G substitution at nucleotide position 2881. The glutamine at codon 961 is replaced by glutamic acid, an amino acid with highly similar properties. This amino acid position is well conserved in available vertebrate species. In addition, this alteration is predicted to be tolerated by in silico analysis. Since supporting evidence is limited at this time, the clinical significance of this alteration remains unclear.

GeneDx
Classification: Uncertain significance. Last evaluated: 2024-08-07. Review status: criteria provided, single submitter. Criteria: GeneDx Variant Classification Process June 2021. Collection method: clinical testing. Allele origin: germline. Affected: yes.
Comment: Observed in an individual undergoing multigene panel testing based on personal and family history of cancer (PMID: 31853058); In silico analysis indicates that this missense variant does not alter protein structure/function; Not observed at significant frequency in large population cohorts (gnomAD); Also known as 3109C>G; This variant is associated with the following publications: (PMID: 32377563, 29884841, 31853058)

University of Washington Department of Laboratory Medicine, University of Washington
Classification: Likely benign for Hereditary cancer-predisposing syndrome. Last evaluated: 2023-03-23. Review status: criteria provided, single submitter. Criteria: Dines et al. (Genet Med. 2020). Collection method: curation. Allele origin: germline.
Comment: Missense variant in a coldspot region where missense variants are very unlikely to be pathogenic (PMID:31911673).

BRCA2 exon 11 coldspot. Reclassification based on statistical prior probability.

Women's Health and Genetics/Laboratory Corporation of America, LabCorp
Classification: Uncertain significance. Last evaluated: 2019-11-01. Review status: criteria provided, single submitter. Criteria: LabCorp Variant Classification Summary - May 2015. Collection method: clinical testing. Allele origin: germline.
Comment: Variant summary: BRCA2 c.2881C>G (p.Gln961Glu) results in a conservative amino acid change in the encoded protein sequence. Four of five in-silico tools predict a benign effect of the variant on protein function. The variant allele was found at a frequency of 4e-06 in 249134 control chromosomes (gnomAD). The available data on variant occurrences in the general population are insufficient to allow any conclusion about variant significance. To our knowledge, no occurrence of c.2881C>G in individuals affected with Hereditary Breast and Ovarian Cancer and no experimental evidence demonstrating its impact on protein function have been reported. Two clinical diagnostic laboratories have submitted clinical-significance assessments for this variant to ClinVar after 2014 without evidence for independent evaluation. All laboratories classified the variant as uncertain significance. Based on the evidence outlined above, the variant was classified as uncertain significance.

Color Diagnostics, LLC DBA Color Health
Classification: Uncertain significance for Hereditary cancer-predisposing syndrome. Last evaluated: 2019-04-19. Review status: criteria provided, single submitter. Criteria: ACMG Guidelines, 2015. Collection method: clinical testing. Allele origin: germline.

Literature cited by the submitters: PubMed 31911673 (cited by Quest Diagnostics Nichols Institute San Juan Capistrano); PubMed 31853058 (cited by Quest Diagnostics Nichols Institute San Juan Capistrano).